The following is an entry in ClinVar:

ClinVar aggregate classification (germline): Conflicting classifications of pathogenicity. Review status: criteria provided, conflicting classifications (1 of 4 stars). 2 submissions from 2 submitters: Uncertain significance (1); Likely benign (1). Last evaluated 2026-03-12.

Conditions:
COL18A1-related disorder. Also called: COL18A1-related disorders; COL18A1-related condition.

Allele frequency attached by ClinVar (database versions not stated): TOPMed 0.00005; gnomAD 0.00007 and 0.00008; gnomAD exomes 0.00008 and 0.00009; ExAC 0.00011.
gnomAD v4.1: 137 of 1,601,276 alleles (0.0086%); highest among the groups gnomAD compares: Non-Finnish European, 0.0094%; 1 homozygote.

Submissions (2):

PreventionGenetics, part of Exact Sciences
Classification: Uncertain significance for COL18A1-related condition. Last evaluated: 2026-03-12. Review status: criteria provided, single submitter. Criteria: ACMG Guidelines, 2015. Collection method: clinical testing. Allele origin: germline.
Comment: The COL18A1 c.662C>T variant is predicted to result in the amino acid substitution p.Ser221Phe. To our knowledge, this variant has not been reported in the literature. This variant is reported in 0.028% of alleles in individuals of European (Finnish) descent in gnomAD. At this time, the clinical significance of this variant is uncertain due to the absence of conclusive functional and genetic evidence.

Labcorp Genetics (formerly Invitae), Labcorp
Classification: Likely benign. Last evaluated: 2023-08-10. Review status: criteria provided, single submitter. Criteria: Invitae Variant Classification Sherloc (09022015). Collection method: clinical testing. Allele origin: germline.

NM_001379500.1(COL18A1):c.107-12050C>T

Gene: COL18A1 (collagen type XVIII alpha 1 chain; plus strand). Cytogenetic location: 21q22.3.
Variant type: single nucleotide variant.
Coding change: c.107-12050C>T on transcript NM_001379500.1 (MANE Select); 12050 bases into the intron before coding-DNA position 107, C replaced by T.
Molecular consequence: intron variant. On other transcripts: missense variant (1).
Genome position (GRCh38, 1-based): chr21:45,456,192, C>T. VCF-style: chr21-45456192-C-T. GRCh37 (hg19) VCF-style: chr21-46876106-C-T.
Other names: c.662C>T, p.Ser221Phe (NM_130444.3); c.646+16C>T (NM_030582.4); c.662C>T (NM_130444.2); short protein forms S221F.
Identifiers: ClinVar variation 1606675 (VCV001606675.7), dbSNP rs749547449, ClinGen allele CA10065544.